The following is an entry in ClinVar:

NM_005422.4(TECTA):c.281C>G (p.Ala94Gly)

Genes: TBCEL-TECTA (TBCEL-TECTA readthrough; plus strand), TECTA (tectorin alpha; plus strand). Cytogenetic location: 11q23.3.
Variant type: single nucleotide variant.
Coding change: c.281C>G on transcript NM_005422.4 (MANE Select); coding-DNA position 281, C replaced by G.
Protein change: p.Ala94Gly; replaces alanine 94 with glycine.
Molecular consequence: missense variant.
Genome position (GRCh38, 1-based): chr11:121,109,293, C>G. VCF-style: chr11-121109293-C-G. GRCh37 (hg19) VCF-style: chr11-120980002-C-G.
Other names: c.1238C>G, p.Ala413Gly (NM_001378761.1); short protein forms A413G, A94G.
Identifiers: ClinVar variation 3774611 (VCV003774611.2).
Genomic context (GRCh38, chr11:121,109,293, plus strand): 5'-CCTTCAATGTGCTAGTGAGCCAGTTCACGCCAGAATCCTTTCCCCTGACAGATGGGAGAG[C>G]CTTCGTCGCCCCATTTTGGGCAGATGTGCACAATGGAATTCGAGGCGAGATCTATTACAG-3'
Protein context (NP_005413.2, residues 84-104): PESFPLTDGR[Ala94Gly]FVAPFWADVH

ClinVar aggregate classification (germline): Conflicting classifications of pathogenicity. Review status: criteria provided, conflicting classifications (1 of 4 stars). 2 submissions from 2 submitters: Uncertain significance (1); Likely benign (1). Last evaluated 2026-02-03.

gnomAD v4.1: 36 of 1,614,154 alleles (0.0022%); highest among the groups gnomAD compares: South Asian, 0.015%; no homozygotes.

Submissions (2):

Labcorp Genetics (formerly Invitae), Labcorp
Classification: Likely benign. Last evaluated: 2026-02-03. Review status: criteria provided, single submitter. Criteria: Invitae Variant Classification Sherloc (09022015). Collection method: clinical testing. Allele origin: germline.

GeneDx
Classification: Uncertain significance. Last evaluated: 2024-09-27. Review status: criteria provided, single submitter. Criteria: GeneDx Variant Classification Process June 2021. Collection method: clinical testing. Allele origin: germline. Affected: yes.
Comment: Identified as a de novo variant in a patient with a developmental disorder in published literature (PMID: 33057194) but additional evidence is not available; In silico analysis indicates that this missense variant does not alter protein structure/function; This variant is associated with the following publications: (PMID: 35982159, 33057194)